The following is an entry in ClinVar:

NM_014905.5(GLS):c.1913T>C (p.Ile638Thr)

Gene: GLS (glutaminase; plus strand). Cytogenetic location: 2q32.2.
Variant type: single nucleotide variant.
Coding change: c.1913T>C on transcript NM_014905.5 (MANE Select); coding-DNA position 1913, T replaced by C.
Protein change: p.Ile638Thr; replaces isoleucine 638 with threonine.
Molecular consequence: missense variant.
Genome position (GRCh38, 1-based): chr2:190,962,889, T>C. VCF-style: chr2-190962889-T-C. GRCh37 (hg19) VCF-style: chr2-191827615-T-C.
Other names: short protein forms I638T.
Identifiers: ClinVar variation 3281644 (VCV003281644.2).

ClinVar aggregate classification (germline): Uncertain significance (1 of 4 stars; one submission).

Conditions:
Inborn genetic diseases. Identifiers: MedGen C0950123, MeSH D030342.

gnomAD v4.1: 40 of 1,599,636 alleles (0.0025%); highest among the groups gnomAD compares: Admixed American, 0.065%; 1 homozygote.

Submission:

Ambry Genetics
Classification: Uncertain significance for Inborn genetic diseases. Last evaluated: 2024-07-15. Review status: criteria provided, single submitter. Criteria: Ambry Variant Classification Scheme 2023. Collection method: clinical testing. Allele origin: germline.
Comment: The c.1913T>C (p.I638T) alteration is located in exon 18 (coding exon 18) of the GLS gene. This alteration results from a T to C substitution at nucleotide position 1913, causing the isoleucine (I) at amino acid position 638 to be replaced by a threonine (T). Based on data from gnomAD, the C allele has an overall frequency of 0.001% (3/237394) total alleles studied. The highest observed frequency was 0.01% (3/30034) of Latino alleles. This amino acid position is highly conserved in available vertebrate species. The in silico prediction for this alteration is inconclusive. Based on insufficient or conflicting evidence, the clinical significance of this alteration remains unclear.